The following is an entry in ClinVar:

ClinVar aggregate classification (germline): Uncertain significance. Review status: criteria provided, multiple submitters, no conflicts (2 of 4 stars). 5 submissions from 5 submitters: Uncertain significance (4). 1 of the submissions does not count toward it. Last evaluated 2025-12-08.

Conditions:
FAT4-related disorder. Also called: FAT4-related condition.
Inborn genetic diseases. Identifiers: MedGen C0950123, MeSH D030342.

Allele frequency attached by ClinVar (database versions not stated): gnomAD 0.00004 and 0.00005; TOPMed 0.00004; gnomAD exomes 0.00007; ExAC 0.00011; 1000 Genomes Project 30x 0.00016; 1000 Genomes Project 0.00020; ESP Exome Variant Server 0.00023.
gnomAD v4.1: 108 of 1,613,456 alleles (0.0067%); highest among the groups gnomAD compares: Middle Eastern, 0.082%; 1 homozygote.

Submissions (5):

Ambry Genetics
Classification: Uncertain significance for Inborn genetic diseases. Last evaluated: 2025-12-08. Review status: criteria provided, single submitter. Criteria: Ambry Variant Classification Scheme 2023. Collection method: clinical testing. Allele origin: germline.

GeneDx
Classification: Uncertain significance. Last evaluated: 2025-01-19. Review status: criteria provided, single submitter. Criteria: GeneDx Variant Classification Process June 2021. Collection method: clinical testing. Allele origin: germline. Affected: yes.
Comment: In silico analysis indicates that this missense variant does not alter protein structure/function; Has not been previously published as pathogenic or benign to our knowledge

Blueprint Genetics
Classification: Uncertain significance. Last evaluated: 2024-10-23. Review status: criteria provided, single submitter. Criteria: ACMG Guidelines, 2015. Collection method: clinical testing. Allele origin: germline.

Labcorp Genetics (formerly Invitae), Labcorp
Classification: Uncertain significance. Last evaluated: 2022-05-10. Review status: criteria provided, single submitter. Criteria: Invitae Variant Classification Sherloc (09022015). Collection method: clinical testing. Allele origin: germline.
Comment: This sequence change replaces threonine, which is neutral and polar, with serine, which is neutral and polar, at codon 95 of the FAT4 protein (p.Thr95Ser). This variant is present in population databases (rs202107203, gnomAD 0.03%). This variant has not been reported in the literature in individuals affected with FAT4-related conditions. ClinVar contains an entry for this variant (Variation ID: 1207797). Advanced modeling of protein sequence and biophysical properties (such as structural, functional, and spatial information, amino acid conservation, physicochemical variation, residue mobility, and thermodynamic stability) performed at Invitae indicates that this missense variant is not expected to disrupt FAT4 protein function. In summary, the available evidence is currently insufficient to determine the role of this variant in disease. Therefore, it has been classified as a Variant of Uncertain Significance.

PreventionGenetics, part of Exact Sciences
Classification: Uncertain significance for FAT4-related condition. Last evaluated: 2024-06-03. Review status: no assertion criteria provided. Collection method: clinical testing. Allele origin: germline. Not counted in ClinVar's aggregate classification.
Comment: The FAT4 c.283A>T variant is predicted to result in the amino acid substitution p.Thr95Ser. To our knowledge, this variant has not been reported in the literature. This variant is reported in 0.026% of alleles in individuals of South Asian descent in gnomAD. At this time, the clinical significance of this variant is uncertain due to the absence of conclusive functional and genetic evidence.

NM_001291303.3(FAT4):c.283A>T (p.Thr95Ser)

Gene: FAT4 (FAT atypical cadherin 4; plus strand). Cytogenetic location: 4q28.1.
Variant type: single nucleotide variant.
Coding change: c.283A>T on transcript NM_001291303.3 (MANE Select); coding-DNA position 283, A replaced by T.
Protein change: p.Thr95Ser; replaces threonine 95 with serine.
Molecular consequence: missense variant.
Genome position (GRCh38, 1-based): chr4:125,316,694, A>T. VCF-style: chr4-125316694-A-T. GRCh37 (hg19) VCF-style: chr4-126237849-A-T.
Other names: c.283A>T (NM_001291303.1); c.283A>T, p.Thr95Ser (NM_001291285.3, NM_024582.6); short protein forms T95S.
Identifiers: ClinVar variation 1207797 (VCV001207797.11), dbSNP rs202107203, ClinGen allele CA3071781.